The following is an entry in ClinVar:

ClinVar aggregate classification (germline): Uncertain significance (1 of 4 stars; one submission).

gnomAD v4.1: 2 of 1,614,034 alleles (0.00012%); highest among the groups gnomAD compares: Middle Eastern, 0.016%; no homozygotes.

Submission:

GeneDx
Classification: Uncertain significance. Last evaluated: 2024-01-25. Review status: criteria provided, single submitter. Criteria: GeneDx Variant Classification Process June 2021. Collection method: clinical testing. Allele origin: germline. Affected: yes.
Comment: Not observed at significant frequency in large population cohorts (gnomAD); In silico analysis supports that this missense variant does not alter protein structure/function; Has not been previously published as pathogenic or benign to our knowledge

NM_020191.4(MRPS22):c.698C>T (p.Ala233Val)

Gene: MRPS22 (mitochondrial ribosomal protein S22; plus strand). Cytogenetic location: 3q23.
Variant type: single nucleotide variant.
Coding change: c.698C>T on transcript NM_020191.4 (MANE Select); coding-DNA position 698, C replaced by T.
Protein change: p.Ala233Val; replaces alanine 233 with valine.
Molecular consequence: missense variant.
Genome position (GRCh38, 1-based): chr3:139,351,026, C>T. VCF-style: chr3-139351026-C-T. GRCh37 (hg19) VCF-style: chr3-139069868-C-T.
Other names: c.575C>T, p.Ala192Val (NM_001363857.1); c.695C>T, p.Ala232Val (NM_001363893.1); short protein forms A192V, A232V, A233V.
Identifiers: ClinVar variation 3368243 (VCV003368243.1).